The following is an entry in ClinVar:

ClinVar aggregate classification (germline): Conflicting classifications of pathogenicity. Review status: criteria provided, conflicting classifications (1 of 4 stars). 11 submissions from 10 submitters: Uncertain significance (2); Benign (1); Likely benign (6). 2 of the submissions do not count toward it. Last evaluated 2026-01-21.

Conditions:
Otospondylomegaepiphyseal dysplasia, autosomal recessive (OSMEDB). Also called: Insley-Astley syndrome; CHONDRODYSTROPHY WITH SENSORINEURAL DEAFNESS. Identifiers: Orphanet 1427, MedGen CN034493, MONDO:0044206, OMIM 215150.
Connective tissue disorder. Also called: Connective tissue disease. Identifiers: MedGen C0009782, MONDO:0003900.
Fibrochondrogenesis 2 (FBCG2). Identifiers: Orphanet 2021, MedGen C3281128, MONDO:0013795, OMIM 614524.

Allele frequency attached by ClinVar (database versions not stated): TOPMed 0.00100; gnomAD 0.00108 and 0.00112; ESP Exome Variant Server 0.00118; ExAC 0.00120; 1000 Genomes Project 30x 0.00156; 1000 Genomes Project 0.00180.
gnomAD v4.1: 1,940 of 1,614,046 alleles (0.12%); highest among the groups gnomAD compares: Middle Eastern, 0.18%; 6 homozygotes.

Submissions (11):

Labcorp Genetics (formerly Invitae), Labcorp
Classification: Benign. Last evaluated: 2026-01-21. Review status: criteria provided, single submitter. Criteria: Invitae Variant Classification Sherloc (09022015). Collection method: clinical testing. Allele origin: germline.

Blueprint Genetics
Classification: Likely benign. Last evaluated: 2024-11-04. Review status: criteria provided, single submitter. Criteria: ACMG Guidelines, 2015. Collection method: clinical testing. Allele origin: germline.

Illumina Laboratory Services, Illumina
Classification: Uncertain significance for Otospondylomegaepiphyseal dysplasia, autosomal recessive. Last evaluated: 2018-01-13. Review status: criteria provided, single submitter. Criteria: ICSL Variant Classification Criteria 13 December 2019. Collection method: clinical testing. Allele origin: germline.

Illumina Laboratory Services, Illumina
Classification: Uncertain significance for Fibrochondrogenesis 2. Last evaluated: 2018-01-13. Review status: criteria provided, single submitter. Criteria: ICSL Variant Classification Criteria 13 December 2019. Collection method: clinical testing. Allele origin: germline.

GeneDx
Classification: Likely benign. Last evaluated: 2017-11-22. Review status: criteria provided, single submitter. Criteria: GeneDx Variant Classification (06012015). Collection method: clinical testing. Allele origin: germline. Affected: yes.
Comment: This variant is considered likely benign or benign based on one or more of the following criteria: it is a conservative change, it occurs at a poorly conserved position in the protein, it is predicted to be benign by multiple in silico algorithms, and/or has population frequency not consistent with disease.

Laboratory for Molecular Medicine, Mass General Brigham Personalized Medicine
Classification: Likely benign. Last evaluated: 2017-10-24. Review status: criteria provided, single submitter. Criteria: LMM Criteria. Collection method: clinical testing. Allele origin: germline. Observed: 3 variant alleles.
Comment: c.1612-10G>C in intron 16 of COL11A2: This variant is not expected to have clini cal significance because it has been identified in 0.34% (88/25742) of Finnish c hromosomes by the Genome Aggregation Database (gnomAD; dbSNP rs182657680).

Center for Human Genetics, Inc
Classification: Likely benign for Connective tissue disorder. Last evaluated: 2016-11-01. Review status: criteria provided, single submitter. Criteria: ACMG Guidelines, 2015. Collection method: clinical testing. Allele origin: germline. Affected: yes.

Eurofins Ntd Llc (ga)
Classification: Likely benign. Last evaluated: 2015-06-26. Review status: criteria provided, single submitter. Criteria: EGL Classification Definitions 2015. Collection method: clinical testing. Allele origin: germline. Observed: 1 variant allele, 1 heterozygote.

PreventionGenetics, part of Exact Sciences
Classification: Likely benign. Review status: criteria provided, single submitter. Criteria: ACMG Guidelines, 2015. Collection method: clinical testing. Allele origin: germline.

Clinical Genetics DNA and cytogenetics Diagnostics Lab, Erasmus MC, Erasmus Medical Center
Classification: Likely benign. Review status: no assertion criteria provided. Collection method: clinical testing. Allele origin: germline. Affected: yes. Study: VKGL Data-share Consensus. Not counted in ClinVar's aggregate classification.

Joint Genome Diagnostic Labs from Nijmegen and Maastricht, Radboudumc and MUMC+
Classification: Likely benign. Review status: no assertion criteria provided. Collection method: clinical testing. Allele origin: germline. Affected: yes. Study: VKGL Data-share Consensus. Not counted in ClinVar's aggregate classification.

NM_080680.3(COL11A2):c.1612-10G>C

Gene: COL11A2 (collagen type XI alpha 2 chain; minus strand). Cytogenetic location: 6p21.32.
Variant type: single nucleotide variant.
Coding change: c.1612-10G>C on transcript NM_080680.3 (MANE Select); 10 bases into the intron before coding-DNA position 1612, G replaced by C.
Molecular consequence: intron variant.
Genome position (GRCh38, 1-based): chr6:33,178,983, C>G on the plus strand (G>C on the coding strand, the complement: COL11A2 is on the minus strand). VCF-style: chr6-33178983-C-G. GRCh37 (hg19) VCF-style: chr6-33146760-C-G.
Other names: c.1291-10G>C (NM_080679.3); c.1354-10G>C (NM_080681.3).
Identifiers: ClinVar variation 227260 (VCV000227260.25), dbSNP rs182657680, ClinGen allele CA3751282.